The following is an entry in ClinVar:

NM_000057.4(BLM):c.2647A>G (p.Arg883Gly)

Gene: BLM (BLM RecQ like helicase; plus strand). Cytogenetic location: 15q26.1.
Variant type: single nucleotide variant.
Coding change: c.2647A>G on transcript NM_000057.4 (MANE Select); coding-DNA position 2647, A replaced by G.
Protein change: p.Arg883Gly; replaces arginine 883 with glycine.
Molecular consequence: missense variant.
Genome position (GRCh38, 1-based): chr15:90,782,913, A>G. VCF-style: chr15-90782913-A-G. GRCh37 (hg19) VCF-style: chr15-91326143-A-G.
Other names: c.2647A>G (NM_000057.2); c.2647A>G, p.Arg883Gly (NM_001287246.2, NM_001287247.2); c.1522A>G, p.Arg508Gly (NM_001287248.2); short protein forms R508G, R883G.
Identifiers: ClinVar variation 653729 (VCV000653729.14), dbSNP rs1035944262, ClinGen allele CA393845792.
Genomic context (GRCh38, chr15:90,782,913, plus strand): 5'-AAATACTATGTATTACCGAAAAAGCCTAAAAAGGTGGCATTTGATTGCCTAGAATGGATC[A>G]GAAAGCACCACCCATGTGAGTACAGCCATGTGATTAGCTGTCTAGAAGTAACAAATGTCT-3'
Protein context (NP_000048.1, residues 873-893): KVAFDCLEWI[Arg883Gly]KHHPYDSGII

ClinVar aggregate classification (germline): Uncertain significance. Review status: criteria provided, multiple submitters, no conflicts (2 of 4 stars). 3 submissions from 3 submitters: Uncertain significance (2). 1 of the submissions does not count toward it. Last evaluated 2024-09-30.

Conditions:
Hereditary cancer-predisposing syndrome. Also called: Neoplastic Syndromes, Hereditary; Tumor predisposition; Hereditary Cancer Syndrome; Hereditary neoplastic syndrome. Identifiers: Orphanet 140162, MedGen C0027672, MeSH D009386, MONDO:0015356.
Bloom syndrome (BLM). Also called: Bloom-Torre-Machacek syndrome. Identifiers: Orphanet 125, MedGen C0005859, MONDO:0008876, OMIM 210900.

Submissions (3):

Labcorp Genetics (formerly Invitae), Labcorp
Classification: Uncertain significance for Bloom syndrome. Last evaluated: 2024-09-30. Review status: criteria provided, single submitter. Criteria: Invitae Variant Classification Sherloc (09022015). Collection method: clinical testing. Allele origin: germline.
Comment: This sequence change replaces arginine, which is basic and polar, with glycine, which is neutral and non-polar, at codon 883 of the BLM protein (p.Arg883Gly). This variant is not present in population databases (gnomAD no frequency). This variant has not been reported in the literature in individuals affected with BLM-related conditions. ClinVar contains an entry for this variant (Variation ID: 653729). Invitae Evidence Modeling of protein sequence and biophysical properties (such as structural, functional, and spatial information, amino acid conservation, physicochemical variation, residue mobility, and thermodynamic stability) indicates that this missense variant is not expected to disrupt BLM protein function with a negative predictive value of 80%. In summary, the available evidence is currently insufficient to determine the role of this variant in disease. Therefore, it has been classified as a Variant of Uncertain Significance.

Ambry Genetics
Classification: Uncertain significance for Hereditary cancer-predisposing syndrome. Last evaluated: 2024-06-10. Review status: criteria provided, single submitter. Criteria: Ambry Variant Classification Scheme 2023. Collection method: clinical testing. Allele origin: germline.
Comment: The p.R883G variant (also known as c.2647A>G), located in coding exon 12 of the BLM gene, results from an A to G substitution at nucleotide position 2647. The arginine at codon 883 is replaced by glycine, an amino acid with dissimilar properties. This amino acid position is conserved. In addition, this alteration is predicted to be tolerated by in silico analysis. Since supporting evidence is limited at this time, the clinical significance of this alteration remains unclear.

Natera, Inc.
Classification: Uncertain significance for Bloom syndrome. Last evaluated: 2018-10-23. Review status: no assertion criteria provided. Collection method: clinical testing. Allele origin: germline. Not counted in ClinVar's aggregate classification.